The following is an entry in ClinVar:

NM_201596.3(CACNB2):c.1522G>A (p.Ala508Thr)

Gene: CACNB2 (calcium voltage-gated channel auxiliary subunit beta 2; plus strand). Cytogenetic location: 10p12.31.
Variant type: single nucleotide variant.
Coding change: c.1522G>A on transcript NM_201596.3 (MANE Select); coding-DNA position 1522, G replaced by A.
Protein change: p.Ala508Thr; replaces alanine 508 with threonine.
Molecular consequence: missense variant.
Genome position (GRCh38, 1-based): chr10:18,539,263, G>A. VCF-style: chr10-18539263-G-A. GRCh37 (hg19) VCF-style: chr10-18828192-G-A.
Other names: p.A453T:GCT>ACT; c.1357G>A, p.Ala453Thr (NM_000724.4); c.1324G>A, p.Ala442Thr (NM_001167945.2); c.1243G>A, p.Ala415Thr (NM_001330060.2); c.1378G>A, p.Ala460Thr (NM_201570.3); c.1438G>A, p.Ala480Thr (NM_201571.4); c.1366G>A, p.Ala456Thr (NM_201572.4); c.1360G>A, p.Ala454Thr (NM_201590.3); and 2 more; short protein forms A453T, A454T, A508T, A456T, A415T, A460T, A484T, A442T.
Identifiers: ClinVar variation 190727 (VCV000190727.18), dbSNP rs759958799, ClinGen allele CA301850.
Genomic context (GRCh38, chr10:18,539,263, plus strand): 5'-CGCCTGGTGTGCTCCTTTCGCTGCCAGGGTTCTCAAGGTGATCAGAGGACTGATCGCTCC[G>A]CTCCTATCCGTTCTGCTTCCCAAGCTGAAGAAGAACCTAGTGTGGAACCAGTCAAGAAAT-3'
Protein context (NP_963890.2, residues 498-518): SQGDQRTDRS[Ala508Thr]PIRSASQAEE

ClinVar aggregate classification (germline): Conflicting classifications of pathogenicity. Review status: criteria provided, conflicting classifications (1 of 4 stars). 5 submissions from 5 submitters: Uncertain significance (1); Benign (1); Likely benign (3). Last evaluated 2026-02-02.

Conditions:
CACNB2-related disorder. Also called: CACNB2-related condition.
Cardiovascular phenotype. Identifiers: MedGen CN230736.
Brugada syndrome 4 (BRGDA4). Identifiers: Orphanet 130, MedGen C2678477, MONDO:0012743, OMIM 611876.

Allele frequency attached by ClinVar (database versions not stated): gnomAD 0.00003 and 0.00007; TOPMed 0.00005.
gnomAD v4.1: 129 of 1,613,954 alleles (0.008%); highest among the groups gnomAD compares: South Asian, 0.11%; 2 homozygotes.

Submissions (5):

PreventionGenetics, part of Exact Sciences
Classification: Likely benign for CACNB2-related condition. Last evaluated: 2026-02-02. Review status: criteria provided, single submitter. Criteria: ACMG Guidelines, 2015. Collection method: clinical testing. Allele origin: germline.
Comment: This variant is classified as likely benign based on ACMG/AMP sequence variant interpretation guidelines (Richards et al. 2015 PMID: 25741868, with internal and published modifications).

Labcorp Genetics (formerly Invitae), Labcorp
Classification: Likely benign for Brugada syndrome 4. Last evaluated: 2025-09-27. Review status: criteria provided, single submitter. Criteria: Invitae Variant Classification Sherloc (09022015). Collection method: clinical testing. Allele origin: germline.

Blueprint Genetics
Classification: Likely benign. Last evaluated: 2024-09-10. Review status: criteria provided, single submitter. Criteria: ACMG Guidelines, 2015. Collection method: clinical testing. Allele origin: germline.

Ambry Genetics
Classification: Benign for Cardiovascular phenotype. Last evaluated: 2022-05-06. Review status: criteria provided, single submitter. Criteria: Ambry Variant Classification Scheme 2023. Collection method: clinical testing. Allele origin: germline.

GeneDx
Classification: Uncertain significance. Last evaluated: 2014-02-21. Review status: criteria provided, single submitter. Criteria: GeneDx Variant Classification (06012015). Collection method: clinical testing. Allele origin: germline. Affected: yes.
Comment: p.Ala453Thr (GCT>ACT): c.1357 G>A in exon 13 of the CACNB2 gene (NM_000724.3). A variant of unknown significance has been identified in the CACNB2 gene. To our knowledge, the A453T variant has not been published as a disease-causing mutation or as a benign polymorphism. The A453T variant was not observed in approximately 6,500 individuals of European and African American ancestry in the NHLBI Exome Sequencing Project, indicating it is not a common benign variant in these populations. The A453T variant is a non-conservative amino acid substitution, which is likely to impact secondary protein structure as these residues differ in polarity, charge, size and/or other properties. This substitution occurs at a position that is conserved in mammals. However, in silico analysis predicts this variant likely does not alter the protein structure/function. No disease-causing mutations have been reported in nearby residues in the in association with Brugada syndrome suggesting this region of the protein may be tolerant to change. Therefore, based on the currently available information, it is unclear whether this variant is a pathogenic mutation or a rare benign variant. The variant is found in BRUGADA panel(s).